The following is an entry in ClinVar:

NM_001918.5(DBT):c.1382C>A (p.Ser461Ter)

Gene: DBT (dihydrolipoamide branched chain transacylase E2; minus strand). Cytogenetic location: 1p21.2.
Variant type: single nucleotide variant.
Coding change: c.1382C>A on transcript NM_001918.5 (MANE Select); coding-DNA position 1382, C replaced by A.
Protein change: p.Ser461Ter; replaces serine 461 with a stop codon.
Molecular consequence: nonsense.
Genome position (GRCh38, 1-based): chr1:100,196,322, G>T on the plus strand (C>A on the coding strand, the complement: DBT is on the minus strand). VCF-style: chr1-100196322-G-T. GRCh37 (hg19) VCF-style: chr1-100661878-G-T.
Other names: short protein forms S461*.
Identifiers: ClinVar variation 557174 (VCV000557174.9), dbSNP rs1553228626, ClinGen allele CA341351426.

ClinVar aggregate classification (germline): Pathogenic. Review status: criteria provided, single submitter (1 of 4 stars). 2 submissions from 2 submitters: Pathogenic (1). 1 of the submissions does not count toward it. Last evaluated 2024-09-14.

Conditions:
Maple syrup urine disease type 1A (MSUD1A). Also called: MSUD type 1A. Identifiers: MedGen C1855369, MONDO:0023691, OMIM 248600.
Maple syrup urine disease (MSUD). Identifiers: Orphanet 511, MedGen C0024776, MeSH D008375, MONDO:0009563. Disease mechanism: loss of function.

Submissions (2):

Labcorp Genetics (formerly Invitae), Labcorp
Classification: Pathogenic for Maple syrup urine disease. Last evaluated: 2024-09-14. Review status: criteria provided, single submitter. Criteria: Invitae Variant Classification Sherloc (09022015). Collection method: clinical testing. Allele origin: germline.
Comment: This sequence change creates a premature translational stop signal (p.Ser461*) in the DBT gene. While this is not anticipated to result in nonsense mediated decay, it is expected to disrupt the last 22 amino acid(s) of the DBT protein. This variant is not present in population databases (gnomAD no frequency). This premature translational stop signal has been observed in individual(s) with maple syrup urine disease (PMID: 30228974). It has also been observed to segregate with disease in related individuals. ClinVar contains an entry for this variant (Variation ID: 557174). This variant disrupts a region of the DBT protein in which other variant(s) (p.Arg462Pro) have been determined to be pathogenic (PMID: 11112664, 26232051). This suggests that this is a clinically significant region of the protein, and that variants that disrupt it are likely to be disease-causing. For these reasons, this variant has been classified as Pathogenic.

Counsyl
Classification: Uncertain significance for Maple syrup urine disease type 1A. Last evaluated: 2018-03-12. Review status: no assertion criteria provided. Collection method: clinical testing. Allele origin: unknown. Not counted in ClinVar's aggregate classification.

Literature cited by the submitters: PubMed 30228974 (cited by Labcorp Genetics (formerly Invitae), Labcorp); PubMed 11112664 (cited by Labcorp Genetics (formerly Invitae), Labcorp); PubMed 26232051 (cited by Labcorp Genetics (formerly Invitae), Labcorp).